The following is an entry in ClinVar:

ClinVar aggregate classification (germline): Uncertain significance (1 of 4 stars; one submission).

Conditions:
Bardet-Biedl syndrome (BBS). Identifiers: Orphanet 110, MedGen C0752166, MONDO:0015229.

Submission:

Labcorp Genetics (formerly Invitae), Labcorp
Classification: Uncertain significance for Bardet-Biedl syndrome. Last evaluated: 2022-06-27. Review status: criteria provided, single submitter. Criteria: Invitae Variant Classification Sherloc (09022015). Collection method: clinical testing. Allele origin: germline.
Comment: Algorithms developed to predict the effect of missense changes on protein structure and function (SIFT, PolyPhen-2, Align-GVGD) all suggest that this variant is likely to be disruptive. This variant has not been reported in the literature in individuals affected with WDPCP-related conditions. This variant is not present in population databases (gnomAD no frequency). This sequence change replaces leucine, which is neutral and non-polar, with proline, which is neutral and non-polar, at codon 486 of the WDPCP protein (p.Leu486Pro). In summary, the available evidence is currently insufficient to determine the role of this variant in disease. Therefore, it has been classified as a Variant of Uncertain Significance.

NM_015910.7(WDPCP):c.1457T>C (p.Leu486Pro)

Gene: WDPCP (WD repeat containing planar cell polarity effector; minus strand). Cytogenetic location: 2p15.
Variant type: single nucleotide variant.
Coding change: c.1457T>C on transcript NM_015910.7 (MANE Select); coding-DNA position 1457, T replaced by C.
Protein change: p.Leu486Pro; replaces leucine 486 with proline.
Molecular consequence: missense variant. On other transcripts: non-coding transcript variant (3).
Genome position (GRCh38, 1-based): chr2:63,382,073, A>G on the plus strand (T>C on the coding strand, the complement: WDPCP is on the minus strand). VCF-style: chr2-63382073-A-G. GRCh37 (hg19) VCF-style: chr2-63609208-A-G.
Other names: c.980T>C, p.Leu327Pro (NM_001042692.3); c.1385T>C, p.Leu462Pro (NM_001354044.2); c.1457T>C, p.Leu486Pro (NM_001354045.2); short protein forms L486P, L462P, L327P.
Identifiers: ClinVar variation 1349084 (VCV001349084.6), dbSNP rs2104901919, ClinGen allele CA347063653.